The following is an entry in ClinVar:

ClinVar aggregate classification (germline): Likely pathogenic (1 of 4 stars; one submission).

Conditions:
Nemaline myopathy 2 (NEM2). Also called: Nemaline myopathy 2, autosomal recessive. Identifiers: MedGen C1850569, MONDO:0009725, OMIM 256030.

Submission:

Natera, Inc.
Classification: Likely pathogenic for Nemaline myopathy type 2. Last evaluated: 2025-08-27. Review status: criteria provided, single submitter. Criteria: Natera Variant Classification Schema (03/2026). Collection method: clinical testing. Allele origin: germline.
Comment: The c.12607C>T variant in NEB is a nonsense variant predicted to introduce a stop codon at amino acid 4203. This variant is expected to result in nonsense mediated decay, truncation, or a dysfunctional protein product. This variant is rare in the general population with a frequency below the threshold expected for the associated phenotype(s). Given the available evidence, this variant is classified as Likely Pathogenic.

NM_001164508.2(NEB):c.12607C>T (p.Gln4203Ter)

Gene: NEB (nebulin; minus strand). Cytogenetic location: 2q23.3.
Variant type: single nucleotide variant.
Coding change: c.12607C>T on transcript NM_001164508.2 (MANE Select); coding-DNA position 12607, C replaced by T.
Protein change: p.Gln4203Ter; replaces glutamine 4203 with a stop codon.
Molecular consequence: nonsense. On other transcripts: intron variant (1).
Genome position (GRCh38, 1-based): chr2:151,607,536, G>A on the plus strand (C>T on the coding strand, the complement: NEB is on the minus strand). VCF-style: chr2-151607536-G-A. GRCh37 (hg19) VCF-style: chr2-152464050-G-A.
Other names: c.12607C>T, p.Gln4203Ter (NM_001164507.2, NM_001271208.2); c.11601+2273C>T (NM_004543.5); short protein forms Q4203*.
Identifiers: ClinVar variation 4814713 (VCV004814713.1).